The following is an entry in ClinVar:

NM_005101.4(ISG15):c.319C>G (p.Leu107Val)

Gene: ISG15 (ISG15 ubiquitin like modifier; plus strand). Cytogenetic location: 1p36.33.
Variant type: single nucleotide variant.
Coding change: c.319C>G on transcript NM_005101.4 (MANE Select); coding-DNA position 319, C replaced by G.
Protein change: p.Leu107Val; replaces leucine 107 with valine.
Molecular consequence: missense variant.
Genome position (GRCh38, 1-based): chr1:1,014,299, C>G. VCF-style: chr1-1014299-C-G. GRCh37 (hg19) VCF-style: chr1-949679-C-G.
Other names: short protein forms L107V.
Identifiers: ClinVar variation 2156373 (VCV002156373.1), dbSNP rs772925815, ClinGen allele CA507682.

ClinVar aggregate classification (germline): Uncertain significance (1 of 4 stars; one submission).

Conditions:
Mendelian susceptibility to mycobacterial diseases due to complete ISG15 deficiency. Also called: IMMUNODEFICIENCY 38, MYCOBACTERIOSIS, AUTOSOMAL RECESSIVE; ISG15 DEFICIENCY, AUTOSOMAL RECESSIVE; Immunodeficiency 38 with basal ganglia calcification; Immunodeficiency 38. Identifiers: Orphanet 319563, MedGen C4015293, MONDO:0014502, OMIM 616126.

Allele frequency attached by ClinVar (database versions not stated): ExAC 0.00001; gnomAD 0.00004; TOPMed 0.00004.
gnomAD v4.1: 105 of 1,613,598 alleles (0.0065%); highest among the groups gnomAD compares: Non-Finnish European, 0.0084%; no homozygotes.

Submission:

Labcorp Genetics (formerly Invitae), Labcorp
Classification: Uncertain significance for Mendelian susceptibility to mycobacterial diseases due to complete ISG15 deficiency. Last evaluated: 2022-05-21. Review status: criteria provided, single submitter. Criteria: Invitae Variant Classification Sherloc (09022015). Collection method: clinical testing. Allele origin: germline.
Comment: This sequence change replaces leucine, which is neutral and non-polar, with valine, which is neutral and non-polar, at codon 107 of the ISG15 protein (p.Leu107Val). This variant is present in population databases (rs772925815, gnomAD 0.002%). This variant has not been reported in the literature in individuals affected with ISG15-related conditions. Algorithms developed to predict the effect of missense changes on protein structure and function are either unavailable or do not agree on the potential impact of this missense change (SIFT: "Deleterious"; PolyPhen-2: "Probably Damaging"; Align-GVGD: "Class C0"). In summary, the available evidence is currently insufficient to determine the role of this variant in disease. Therefore, it has been classified as a Variant of Uncertain Significance.